The following is an entry in ClinVar:

NM_001370466.1(NOD2):c.1361G>A (p.Gly454Asp)

Gene: NOD2 (nucleotide binding oligomerization domain containing 2; plus strand). Cytogenetic location: 16q12.1.
Variant type: single nucleotide variant.
Coding change: c.1361G>A on transcript NM_001370466.1 (MANE Select); coding-DNA position 1361, G replaced by A.
Protein change: p.Gly454Asp; replaces glycine 454 with aspartic acid.
Molecular consequence: missense variant. On other transcripts: non-coding transcript variant (1).
Genome position (GRCh38, 1-based): chr16:50,711,353, G>A. VCF-style: chr16-50711353-G-A. GRCh37 (hg19) VCF-style: chr16-50745264-G-A.
Other names: c.1442G>A (LRG_177t1); c.1361G>A, p.Gly454Asp (NM_001293557.2); c.1442G>A, p.Gly481Asp (NM_022162.3); short protein forms G481D, G454D.
Identifiers: ClinVar variation 97830 (VCV000097830.3), dbSNP rs104895494, ClinGen allele CA150205.
Genomic context (GRCh38, chr16:50,711,353, plus strand): 5'-ATGAGCCCGGGGTGGCGGACCGCCTCATCCGCCTGCTCCAAGAGACCTCAGCCCTGCACG[G>A]TTTGTGCCACCTGCCTGTCTTCTCATGGATGGTGTCCAAATGCCACCAGGAACTGTTGCT-3'
Protein context (NP_001357395.1, residues 444-464): RLLQETSALH[Gly454Asp]LCHLPVFSWM

ClinVar aggregate classification (germline): Pathogenic. Review status: criteria provided, single submitter (1 of 4 stars). 2 submissions from 2 submitters: Pathogenic (1). 1 of the submissions does not count toward it. Last evaluated 2025-01-23.

Conditions:
Blau syndrome (BLAUS). Also called: ARTHROCUTANEOUVEAL GRANULOMATOSIS; GRANULOMATOSIS, FAMILIAL JUVENILE SYSTEMIC; GRANULOMATOSIS, FAMILIAL, BLAU TYPE; GRANULOMATOUS INFLAMMATORY ARTHRITIS, DERMATITIS, AND UVEITIS, FAMILIAL; JABS SYNDROME. Identifiers: Orphanet 90340, MedGen C5201146, MONDO:0008523, OMIM 186580.
Regional enteritis. Also called: Enteritis, Granulomatous. Identifiers: MedGen C0678202, MeSH D003424.

Allele frequency attached by ClinVar (database versions not stated): gnomAD exomes below 0.00001.
gnomAD v4.1: 1 of 1,613,620 alleles (0.000062%); highest among the groups gnomAD compares: Non-Finnish European, 0.000085%; no homozygotes.

Submissions (2):

Labcorp Genetics (formerly Invitae), Labcorp
Classification: Pathogenic for Regional enteritis; Blau syndrome. Last evaluated: 2025-01-23. Review status: criteria provided, single submitter. Criteria: Invitae Variant Classification Sherloc (09022015). Collection method: clinical testing. Allele origin: germline.
Comment: This sequence change replaces glycine, which is neutral and non-polar, with aspartic acid, which is acidic and polar, at codon 481 of the NOD2 protein (p.Gly481Asp). This variant is not present in population databases (gnomAD no frequency). This missense change has been observed in individual(s) with Blau syndrome (PMID: 25416713, 28639104, 30806112, 33042144, 35314268). In at least one individual the variant was observed to be de novo. ClinVar contains an entry for this variant (Variation ID: 97830). Invitae Evidence Modeling of protein sequence and biophysical properties (such as structural, functional, and spatial information, amino acid conservation, physicochemical variation, residue mobility, and thermodynamic stability) has been performed for this missense variant. However, the output from this modeling did not meet the statistical confidence thresholds required to predict the impact of this variant on NOD2 protein function. For these reasons, this variant has been classified as Pathogenic.

Unité médicale des maladies autoinflammatoires, CHRU Montpellier
No classification provided. Condition: Sarcoidosis, early-onset. Review status: no classification provided. Collection method: not provided. Allele origin: unknown. Not counted in ClinVar's aggregate classification.
Comment: also involved in OMIM 186580 and 266600

Literature cited by the submitters: PubMed 25416713 (cited by Labcorp Genetics (formerly Invitae), Labcorp); PubMed 28639104 (cited by Labcorp Genetics (formerly Invitae), Labcorp); PubMed 30806112 (cited by Labcorp Genetics (formerly Invitae), Labcorp); PubMed 33042144 (cited by Labcorp Genetics (formerly Invitae), Labcorp); PubMed 35314268 (cited by Labcorp Genetics (formerly Invitae), Labcorp).